The following is an entry in ClinVar:

ClinVar aggregate classification (germline): Likely benign. Review status: criteria provided, multiple submitters, no conflicts (2 of 4 stars). 3 submissions from 3 submitters: Likely benign (3). Last evaluated 2025-12-15.

Conditions:
LAMA1-related disorder. Also called: LAMA1-related disorders; LAMA1-related condition.

Allele frequency attached by ClinVar (database versions not stated): gnomAD exomes 0.00002; ESP Exome Variant Server 0.00008; ExAC 0.00009; 1000 Genomes Project 30x 0.00016; 1000 Genomes Project 0.00020; gnomAD 0.00020; TOPMed 0.00034.

Submissions (3):

Labcorp Genetics (formerly Invitae), Labcorp
Classification: Likely benign. Last evaluated: 2025-12-15. Review status: criteria provided, single submitter. Criteria: Invitae Variant Classification Sherloc (09022015). Collection method: clinical testing. Allele origin: germline.

PreventionGenetics, part of Exact Sciences
Classification: Likely benign for LAMA1-related condition. Last evaluated: 2025-07-18. Review status: criteria provided, single submitter. Criteria: ACMG Guidelines, 2015. Collection method: clinical testing. Allele origin: germline.
Comment: This variant is classified as likely benign based on ACMG/AMP sequence variant interpretation guidelines (Richards et al. 2015 PMID: 25741868, with internal and published modifications).

Blueprint Genetics
Classification: Likely benign. Last evaluated: 2024-07-01. Review status: criteria provided, single submitter. Criteria: ACMG Guidelines, 2015. Collection method: clinical testing. Allele origin: germline.

NM_005559.4(LAMA1):c.7164C>T (p.Tyr2388=)

Gene: LAMA1 (laminin subunit alpha 1; minus strand). Cytogenetic location: 18p11.31.
Variant type: single nucleotide variant.
Coding change: c.7164C>T on transcript NM_005559.4 (MANE Select); coding-DNA position 7164, C replaced by T.
Protein change: p.Tyr2388=; no amino-acid change (tyrosine 2388 retained).
Molecular consequence: synonymous variant.
Genome position (GRCh38, 1-based): chr18:6,965,319, G>A on the plus strand (C>T on the coding strand, the complement: LAMA1 is on the minus strand). VCF-style: chr18-6965319-G-A. GRCh37 (hg19) VCF-style: chr18-6965318-G-A.
Other names: c.7164C>T (NM_005559.3).
Identifiers: ClinVar variation 2141225 (VCV002141225.6), dbSNP rs184563378, ClinGen allele CA8880996.